The following is an entry in ClinVar:

ClinVar aggregate classification (germline): Uncertain significance (1 of 4 stars; one submission).

Allele frequency attached by ClinVar (database versions not stated): ExAC 0.00001.
gnomAD v4.1: 64 of 1,614,136 alleles (0.004%); highest among the groups gnomAD compares: Non-Finnish European, 0.0051%; no homozygotes.

Submission:

Labcorp Genetics (formerly Invitae), Labcorp
Classification: Uncertain significance. Last evaluated: 2025-05-05. Review status: criteria provided, single submitter. Criteria: Invitae Variant Classification Sherloc (09022015). Collection method: clinical testing. Allele origin: germline.
Comment: This sequence change replaces leucine, which is neutral and non-polar, with proline, which is neutral and non-polar, at codon 697 of the DUOX2 protein (p.Leu697Pro). This variant is present in population databases (rs751383345, gnomAD 0.002%). This variant has not been reported in the literature in individuals affected with DUOX2-related conditions. ClinVar contains an entry for this variant (Variation ID: 1370833). Invitae Evidence Modeling of protein sequence and biophysical properties (such as structural, functional, and spatial information, amino acid conservation, physicochemical variation, residue mobility, and thermodynamic stability) indicates that this missense variant is not expected to disrupt DUOX2 protein function with a negative predictive value of 80%. In summary, the available evidence is currently insufficient to determine the role of this variant in disease. Therefore, it has been classified as a Variant of Uncertain Significance.

NM_001363711.2(DUOX2):c.2090T>C (p.Leu697Pro)

Gene: DUOX2 (dual oxidase 2; minus strand). Cytogenetic location: 15q21.1.
Variant type: single nucleotide variant.
Coding change: c.2090T>C on transcript NM_001363711.2 (MANE Select); coding-DNA position 2090, T replaced by C.
Protein change: p.Leu697Pro; replaces leucine 697 with proline.
Molecular consequence: missense variant.
Genome position (GRCh38, 1-based): chr15:45,106,183, A>G on the plus strand (T>C on the coding strand, the complement: DUOX2 is on the minus strand). VCF-style: chr15-45106183-A-G. GRCh37 (hg19) VCF-style: chr15-45398381-A-G.
Other names: c.2090T>C, p.Leu697Pro (NM_014080.5); short protein forms L697P.
Identifiers: ClinVar variation 1370833 (VCV001370833.5), dbSNP rs751383345, ClinGen allele CA7538392.
Genomic context (GRCh38, chr15:45,106,183, plus strand): 5'-ACCAGGTCATACTCCTTAGGGATCTTGAGCAGCAGGGTGCGGCATCCTCGGTTGTTGGAC[A>G]GGATGAGGTTGACCTGCTGCAGAGGCTGCAGCTGGACCACACGGAGCACAGTGAGATGCC-3'
Protein context (NP_001350640.1, residues 687-707): LQPLQQVNLI[Leu697Pro]SNNRGCRTLL